The following is an entry in ClinVar:

NM_002017.5(FLI1):c.253G>A (p.Val85Ile)

Gene: FLI1 (Fli-1 proto-oncogene, ETS transcription factor; plus strand). Cytogenetic location: 11q24.3.
Variant type: single nucleotide variant.
Coding change: c.253G>A on transcript NM_002017.5 (MANE Select); coding-DNA position 253, G replaced by A.
Protein change: p.Val85Ile; replaces valine 85 with isoleucine.
Molecular consequence: missense variant. On other transcripts: intron variant (1).
Genome position (GRCh38, 1-based): chr11:128,768,140, G>A. VCF-style: chr11-128768140-G-A. GRCh37 (hg19) VCF-style: chr11-128638035-G-A.
Other names: c.154G>A, p.Val52Ile (NM_001167681.3); c.55G>A, p.Val19Ile (NM_001271010.2); c.10+9814G>A (NM_001271012.2); c.253G>A (NM_002017.3); short protein forms V85I, V19I, V52I.
Identifiers: ClinVar variation 2195253 (VCV002195253.4), dbSNP rs377050968, ClinGen allele CA6357018.

ClinVar aggregate classification (germline): Uncertain significance. Review status: criteria provided, multiple submitters, no conflicts (2 of 4 stars). 2 submissions from 2 submitters: Uncertain significance (2). Last evaluated 2025-10-24.

Conditions:
Inborn genetic diseases. Identifiers: MedGen C0950123, MeSH D030342.

Allele frequency attached by ClinVar (database versions not stated): ExAC 0.00007; ESP Exome Variant Server 0.00008; gnomAD 0.00005; TOPMed 0.00004; gnomAD exomes 0.00005.
gnomAD v4.1: 79 of 1,613,318 alleles (0.0049%); highest among the groups gnomAD compares: Middle Eastern, 0.016%; no homozygotes.

Submissions (2):

Ambry Genetics
Classification: Uncertain significance for Inborn genetic diseases. Last evaluated: 2025-10-24. Review status: criteria provided, single submitter. Criteria: Ambry Variant Classification Scheme 2023. Collection method: clinical testing. Allele origin: germline.

Labcorp Genetics (formerly Invitae), Labcorp
Classification: Uncertain significance. Last evaluated: 2022-08-15. Review status: criteria provided, single submitter. Criteria: Invitae Variant Classification Sherloc (09022015). Collection method: clinical testing. Allele origin: germline.
Comment: This variant is present in population databases (rs377050968, gnomAD 0.008%). This sequence change replaces valine, which is neutral and non-polar, with isoleucine, which is neutral and non-polar, at codon 85 of the FLI1 protein (p.Val85Ile). This variant has not been reported in the literature in individuals affected with FLI1-related conditions. Algorithms developed to predict the effect of missense changes on protein structure and function output the following: SIFT: "Tolerated"; PolyPhen-2: "Benign"; Align-GVGD: "Class C0". The isoleucine amino acid residue is found in multiple mammalian species, which suggests that this missense change does not adversely affect protein function. In summary, the available evidence is currently insufficient to determine the role of this variant in disease. Therefore, it has been classified as a Variant of Uncertain Significance.